The following is an entry in ClinVar:

ClinVar aggregate classification (germline): Benign (0 of 4 stars; one submission).

Conditions:
PCDHA3-related disorder. Also called: PCDHA3-related condition.

Allele frequency attached by ClinVar (database versions not stated): gnomAD exomes 0.53387; ExAC 0.54496; ESP Exome Variant Server 0.58751; 1000 Genomes Project 0.59145; TOPMed 0.59339; 1000 Genomes Project 30x 0.59463; gnomAD 0.57561.
gnomAD v4.1: 868,677 of 1,613,918 alleles (54%); highest among the groups gnomAD compares: African/African-American, 70%; 235,507 homozygotes.

Submission:

PreventionGenetics, part of Exact Sciences
Classification: Benign for PCDHA3-related condition. Last evaluated: 2019-10-17. Review status: no assertion criteria provided. Collection method: clinical testing. Allele origin: germline.
Comment: This variant is classified as benign based on ACMG/AMP sequence variant interpretation guidelines (Richards et al. 2015 PMID: 25741868, with internal and published modifications).

NM_018906.3(PCDHA3):c.1319G>T (p.Ser440Ile)

Genes: PCDHA1 (protocadherin alpha 1; plus strand), PCDHA2 (protocadherin alpha 2; plus strand), PCDHA3 (protocadherin alpha 3; plus strand), PCDHA@ (protocadherin alpha cluster, complex locus; plus strand). Cytogenetic location: 5q31.3.
Variant type: single nucleotide variant.
Coding change: c.1319G>T on transcript NM_018906.3 (MANE Select); coding-DNA position 1319, G replaced by T.
Protein change: p.Ser440Ile; replaces serine 440 with isoleucine.
Molecular consequence: missense variant. On other transcripts: intron variant (4).
Genome position (GRCh38, 1-based): chr5:140,802,516, G>T. VCF-style: chr5-140802516-G-T. GRCh37 (hg19) VCF-style: chr5-140182101-G-T.
Other names: c.1319G>T, p.Ser440Ile (NM_031497.2); c.2394+13832G>T (NM_018900.4); c.1602+14624G>T (NM_031411.3); c.2388+5164G>T (NM_018905.3); c.2389-2544G>T (NM_031496.2); short protein forms S440I.
Identifiers: ClinVar variation 3060153 (VCV003060153.2), dbSNP rs7701755, ClinGen allele CA3446473.